The following is an entry in ClinVar:

NM_004937.3(CTNS):c.696_697dup (p.Val233fs)

Genes: CTNS-AS1 (CTNS antisense RNA 1; minus strand), CTNS (cystinosin, lysosomal cystine transporter; plus strand). Cytogenetic location: 17p13.2.
Variant type: Microsatellite.
Coding change: c.696_697dup on transcript NM_004937.3 (MANE Select); coding-DNA positions 696 to 697, 2 bases duplicated (CG; older notation c.696_697dupCG).
Protein change: p.Val233fs; shifts the reading frame from valine 233.
Molecular consequence: frameshift variant.
Genome position (GRCh38, 1-based): chr17:3,658,019-3,658,020, CG duplicated; duplicating any 2 consecutive bases within chr17:3,658,016-3,658,020 gives the same sequence; the c. name uses the placement nearest the transcript's 3' end. VCF-style (leftmost placement, unchanged base first): chr17-3658015-A-AGC. GRCh37 (hg19) VCF-style: chr17-3561309-A-AGC.
Other names: c.696_697dup, p.Val233fs (NM_001031681.3, NM_001374492.1); c.255_256dup, p.Val86fs (NM_001374493.1, NM_001374494.1, NM_001374495.1 and 1 more transcripts); c.696_697dupCG (NM_001031681.2); short protein forms V233fs, V86fs.
Identifiers: ClinVar variation 551688 (VCV000551688.18), dbSNP rs1555563982, ClinGen allele CA658823874.

ClinVar aggregate classification (germline): Pathogenic. Review status: criteria provided, multiple submitters, no conflicts (2 of 4 stars). 6 submissions from 6 submitters: Pathogenic (5). 1 of the submissions does not count toward it. Last evaluated 2025-04-24.

Conditions:
Cystinosis. Also called: Cystine diathesis; Cystine storage disease; Cystinoses. Identifiers: Orphanet 213, MedGen C4316899, MONDO:0016239.
Ocular cystinosis. Also called: Non-Nephropathic (Ocular) Cystinosis; Non-Nephropathic Cystinosis. Identifiers: Orphanet 213, Orphanet 411641, MedGen C2931013, MONDO:0009064, OMIM 219750.
Juvenile nephropathic cystinosis. Also called: Later-Onset (Juvenile) Cystinosis; Intermediate Cystinosis; CYSTINOSIS, LATE-ONSET JUVENILE OR ADOLESCENT NEPHROPATHIC TYPE. Identifiers: Orphanet 213, Orphanet 411634, MedGen C0268626, MONDO:0009066, OMIM 219900.
Nephropathic cystinosis (CTNS). Also called: Abderhalden Lignac Kaufmann disease; Abderhalden-Kaufmann-Lignac syndrome; CYSTINOSIN, DEFECT OF; LYSOSOMAL CYSTINE TRANSPORT PROTEIN, DEFECT OF. Identifiers: Orphanet 213, Orphanet 411629, MedGen C2931187, MONDO:0100151, OMIM 219800.
CTNS-related disorder. Also called: CTNS-related condition.
Inborn genetic diseases. Identifiers: MedGen C0950123, MeSH D030342.

Submissions (6):

PreventionGenetics, part of Exact Sciences
Classification: Pathogenic for CTNS-related condition. Last evaluated: 2025-04-24. Review status: criteria provided, single submitter. Criteria: ACMG Guidelines, 2015. Collection method: clinical testing. Allele origin: germline.
Comment: The CTNS c.696_697dupCG variant is predicted to result in a frameshift and premature protein termination (p.Val233Alafs*21). This variant has been reported along with a second pathogenic CTNS variant in multiple individuals with nephropathic cystinosis (described as 1033insCG, V233A with stop codon 253 in Shotelersuk et al. 1998. PubMed ID: 9792862; Fleige et al. 2019. PubMed ID: 31570786). This variant has not been reported in a large population database (gnomAD), indicating this variant is rare. Frameshift variants in CTNS are expected to be pathogenic. This variant is interpreted as pathogenic.

Baylor Genetics
Classification: Pathogenic for Nephropathic cystinosis. Last evaluated: 2024-01-28. Review status: criteria provided, single submitter. Criteria: ACMG Guidelines, 2015. Collection method: clinical testing. Allele origin: unknown.

Labcorp Genetics (formerly Invitae), Labcorp
Classification: Pathogenic for Inborn genetic diseases; Ocular cystinosis; Juvenile nephropathic cystinosis. Last evaluated: 2023-08-07. Review status: criteria provided, single submitter. Criteria: Invitae Variant Classification Sherloc (09022015). Collection method: clinical testing. Allele origin: germline.
Comment: This sequence change creates a premature translational stop signal (p.Val233Alafs*21) in the CTNS gene. It is expected to result in an absent or disrupted protein product. Loss-of-function variants in CTNS are known to be pathogenic (PMID: 9537412, 27102039). This variant is not present in population databases (gnomAD no frequency). For these reasons, this variant has been classified as Pathogenic. This variant is also known as 1033insCG. This premature translational stop signal has been observed in individual(s) with cystinosis (PMID: 9792862).

Fulgent Genetics
Classification: Pathogenic for Ocular cystinosis; Nephropathic cystinosis; Juvenile nephropathic cystinosis. Last evaluated: 2021-12-08. Review status: criteria provided, single submitter. Criteria: ACMG Guidelines, 2015. Collection method: clinical testing. Allele origin: unknown.

Women's Health and Genetics/Laboratory Corporation of America, LabCorp
Classification: Pathogenic for Cystinosis. Last evaluated: 2020-10-30. Review status: criteria provided, single submitter. Criteria: LabCorp Variant Classification Summary - May 2015. Collection method: clinical testing. Allele origin: germline.
Comment: Variant summary: CTNS c.696_697dupCG (p.Val233AlafsX21) results in a premature termination codon, predicted to cause a truncation of the encoded protein or absence of the protein due to nonsense mediated decay, which are commonly known mechanisms for disease. Truncations downstream of this position have been classified as pathogenic by our laboratory. The variant was absent in 250120 control chromosomes. c.696_697dupCG has been reported in the literature in individuals affected with Cystinosis and subsequently cited by others (example, Shotelersuk_1998, Kiehntopf_2002, Attard_1999, David_2018, Fleige_2020). These data indicate that the variant may be associated with disease. To our knowledge, no experimental evidence demonstrating an impact on protein function has been reported. One clinical diagnostic laboratory has submitted clinical-significance assessments for this variant to ClinVar after 2014 without evidence for independent evaluation and classified the variant as likely pathogenic. Based on the evidence outlined above, the variant was classified as pathogenic.

Counsyl
Classification: Likely pathogenic for Nephropathic cystinosis. Last evaluated: 2017-05-01. Review status: no assertion criteria provided. Collection method: clinical testing. Allele origin: unknown. Not counted in ClinVar's aggregate classification.

Literature cited by the submitters: PubMed 9537412 (cited by Labcorp Genetics (formerly Invitae), Labcorp); PubMed 27102039 (cited by Labcorp Genetics (formerly Invitae), Labcorp); PubMed 9792862 (cited by 3 submitters); PubMed 10556299 (cited by Women's Health and Genetics/Laboratory Corporation of America, LabCorp); PubMed 12204010 (cited by Women's Health and Genetics/Laboratory Corporation of America, LabCorp); PubMed 30554218 (cited by Women's Health and Genetics/Laboratory Corporation of America, LabCorp); PubMed 31570786 (cited by Women's Health and Genetics/Laboratory Corporation of America, LabCorp).